The following is an entry in ClinVar:

ClinVar aggregate classification (germline): Uncertain significance (1 of 4 stars; one submission).

Conditions:
Cardiovascular phenotype. Identifiers: MedGen CN230736.
Hereditary cancer-predisposing syndrome. Also called: Neoplastic Syndromes, Hereditary; Tumor predisposition; Hereditary Cancer Syndrome; Hereditary neoplastic syndrome. Identifiers: Orphanet 140162, MedGen C0027672, MeSH D009386, MONDO:0015356.

gnomAD v4.1: 1 of 1,604,052 alleles (0.000062%); no homozygotes.

Submission:

Ambry Genetics
Classification: Uncertain significance for Cardiovascular phenotype; Hereditary cancer-predisposing syndrome. Last evaluated: 2026-04-29. Review status: criteria provided, single submitter. Criteria: Ambry Variant Classification Scheme 2023. Collection method: clinical testing. Allele origin: germline.
Comment: The c.3974+5G>T intronic variant results from a G to T substitution 5 nucleotides after coding exon 29 in the NF1 gene. This nucleotide position is highly conserved in available vertebrate species. In silico splice site analysis predicts that this alteration will weaken the native splice donor site. RNA studies have demonstrated that this variant results in a splice defect; the clinical impact of this abnormal splicing is unknown at this time (Ambry internal data). Based on the available evidence, the clinical significance of this variant remains unclear.

NM_001042492.3(NF1):c.3974+5G>T

Gene: NF1 (neurofibromin 1; plus strand). Cytogenetic location: 17q11.2.
Variant type: single nucleotide variant.
Coding change: c.3974+5G>T on transcript NM_001042492.3 (MANE Select); 5 bases into the intron after coding-DNA position 3974, G replaced by T.
Molecular consequence: intron variant.
Genome position (GRCh38, 1-based): chr17:31,236,026, G>T. VCF-style: chr17-31236026-G-T. GRCh37 (hg19) VCF-style: chr17-29563044-G-T.
Other names: c.3974+5G>T (NM_000267.4).
Identifiers: ClinVar variation 4860949 (VCV004860949.1).